The following is an entry in ClinVar:

ClinVar aggregate classification (germline): Uncertain significance (1 of 4 stars; one submission).

Conditions:
Hereditary sensory and autonomic neuropathy type 7. Also called: HSAN VII; Neuropathy, hereditary sensory and autonomic, type VII. Identifiers: Orphanet 391397, MedGen C3809882, MONDO:0014244, OMIM 615548.
Familial episodic pain syndrome with predominantly lower limb involvement. Also called: Episodic pain syndrome, familial, 3. Identifiers: Orphanet 391384, Orphanet 391392, MedGen C3809899, MONDO:0014247, OMIM 615552.

Allele frequency attached by ClinVar (database versions not stated): ExAC 0.00001; gnomAD 0.00001; gnomAD exomes 0.00001; TOPMed 0.00001.
gnomAD v4.1: 5 of 1,613,848 alleles (0.00031%); highest among the groups gnomAD compares: Admixed American, 0.005%; no homozygotes.

Submission:

Labcorp Genetics (formerly Invitae), Labcorp
Classification: Uncertain significance for Familial episodic pain syndrome with predominantly lower limb involvement; Hereditary sensory and autonomic neuropathy type 7. Last evaluated: 2023-11-28. Review status: criteria provided, single submitter. Criteria: Invitae Variant Classification Sherloc (09022015). Collection method: clinical testing. Allele origin: germline.
Comment: This sequence change replaces histidine, which is basic and polar, with tyrosine, which is neutral and polar, at codon 1400 of the SCN11A protein (p.His1400Tyr). This variant is present in population databases (rs764223466, gnomAD 0.009%). This variant has not been reported in the literature in individuals affected with SCN11A-related conditions. Advanced modeling of protein sequence and biophysical properties (such as structural, functional, and spatial information, amino acid conservation, physicochemical variation, residue mobility, and thermodynamic stability) performed at Invitae indicates that this missense variant is not expected to disrupt SCN11A protein function with a negative predictive value of 80%. In summary, the available evidence is currently insufficient to determine the role of this variant in disease. Therefore, it has been classified as a Variant of Uncertain Significance.

NM_001349253.2(SCN11A):c.4198C>T (p.His1400Tyr)

Gene: SCN11A (sodium voltage-gated channel alpha subunit 11; minus strand). Cytogenetic location: 3p22.2.
Variant type: single nucleotide variant.
Coding change: c.4198C>T on transcript NM_001349253.2 (MANE Select); coding-DNA position 4198, C replaced by T.
Protein change: p.His1400Tyr; replaces histidine 1400 with tyrosine.
Molecular consequence: missense variant.
Genome position (GRCh38, 1-based): chr3:38,850,610, G>A on the plus strand (C>T on the coding strand, the complement: SCN11A is on the minus strand). VCF-style: chr3-38850610-G-A. GRCh37 (hg19) VCF-style: chr3-38892101-G-A.
Other names: c.4198C>T, p.His1400Tyr (NM_014139.3); short protein forms H1400Y.
Identifiers: ClinVar variation 2931029 (VCV002931029.3), dbSNP rs764223466, ClinGen allele CA2321578.